The following is an entry in ClinVar:

ClinVar aggregate classification (germline): Uncertain significance (1 of 4 stars; one submission).

gnomAD v4.1: 12 of 1,614,094 alleles (0.00074%); highest among the groups gnomAD compares: Non-Finnish European, 0.001%; no homozygotes.

Submission:

Labcorp Genetics (formerly Invitae), Labcorp
Classification: Uncertain significance. Last evaluated: 2023-05-08. Review status: criteria provided, single submitter. Criteria: Invitae Variant Classification Sherloc (09022015). Collection method: clinical testing. Allele origin: germline.
Comment: This sequence change replaces alanine, which is neutral and non-polar, with glycine, which is neutral and non-polar, at codon 1145 of the ERBIN protein (p.Ala1145Gly). This variant is not present in population databases (gnomAD no frequency). This variant has not been reported in the literature in individuals affected with ERBIN-related conditions. ClinVar contains an entry for this variant (Variation ID: 1940324). An algorithm developed to predict the effect of missense changes on protein structure and function (PolyPhen-2) suggests that this variant is likely to be disruptive. In summary, the available evidence is currently insufficient to determine the role of this variant in disease. Therefore, it has been classified as a Variant of Uncertain Significance.

NM_001253697.2(ERBIN):c.3434C>G (p.Ala1145Gly)

Gene: ERBIN (erbb2 interacting protein; plus strand). Cytogenetic location: 5q12.3.
Variant type: single nucleotide variant.
Coding change: c.3434C>G on transcript NM_001253697.2 (MANE Select); coding-DNA position 3434, C replaced by G.
Protein change: p.Ala1145Gly; replaces alanine 1145 with glycine.
Molecular consequence: missense variant.
Genome position (GRCh38, 1-based): chr5:66,054,752, C>G. VCF-style: chr5-66054752-C-G. GRCh37 (hg19) VCF-style: chr5-65350580-C-G.
Other names: c.3434C>G, p.Ala1145Gly (NM_001006600.3, NM_001253698.2, NM_001253699.2 and 1 more transcripts); c.3422C>G, p.Ala1141Gly (NM_001253701.2); short protein forms A1141G, A1145G.
Identifiers: ClinVar variation 1940324 (VCV001940324.5), dbSNP rs931091563, ClinGen allele CA119868829.